The following is an entry in ClinVar:

NM_017780.4(CHD7):c.7629del (p.Ala2544fs)

Gene: CHD7 (chromodomain helicase DNA binding protein 7; plus strand). Cytogenetic location: 8q12.2.
Variant type: Deletion.
Coding change: c.7629del on transcript NM_017780.4 (MANE Select); coding-DNA position 7629, one base deleted (A; older notation c.7629delA).
Protein change: p.Ala2544fs; shifts the reading frame from alanine 2544.
Molecular consequence: frameshift variant. On other transcripts: intron variant (1).
Genome position (GRCh38, 1-based): chr8:60,860,924, A deleted; the last of 3 consecutive A bases (chr8:60,860,922-60,860,924); deleting any one gives the same sequence. VCF-style (leftmost placement, unchanged base first): chr8-60860921-CA-C. GRCh37 (hg19) VCF-style: chr8-61773480-CA-C.
Other names: c.7629del (LRG_176t1); c.1717-1305del (NM_001316690.1); short protein forms A2544fs.
Identifiers: ClinVar variation 419284 (VCV000419284.2), dbSNP rs1064793769, ClinGen allele CA16618683.

ClinVar aggregate classification (germline): Pathogenic (1 of 4 stars; one submission).

Submission:

GeneDx
Classification: Pathogenic. Last evaluated: 2015-07-28. Review status: criteria provided, single submitter. Criteria: GeneDx Variant Classification (06012015). Collection method: clinical testing. Allele origin: germline. Affected: yes.
Comment: The c.7629delA deletion in the CHD7 gene causes a frameshift starting with codon alanine 2544, changesthis amino acid to a leucine residue and creates a premature Stop codon at position 6 of the new readingframe, denoted p.Ala2544LeufsX6. This deletion is predicted to cause loss of normal protein functioneither through protein truncation or nonsense-mediated mRNA decay. Although this variant has not beenpreviously reported to our knowledge, we interpret it as pathogenic.